The following is an entry in ClinVar:

ClinVar aggregate classification (germline): Uncertain significance. Review status: criteria provided, multiple submitters, no conflicts (2 of 4 stars). 2 submissions from 2 submitters: Uncertain significance (2). Last evaluated 2024-09-14.

Conditions:
Kabuki syndrome 2 (KABUK2). Also called: KDM6A-Related Kabuki Syndrome. Identifiers: Orphanet 2322, MedGen C3275495, MONDO:0010465, OMIM 300867.

Allele frequency attached by ClinVar (database versions not stated): gnomAD exomes below 0.00001.
gnomAD v4.1: 5 of 1,211,490 alleles (0.00041%); highest among the groups gnomAD compares: South Asian, 0.0053%; no homozygotes.

Submissions (2):

Labcorp Genetics (formerly Invitae), Labcorp
Classification: Uncertain significance for Kabuki syndrome 2. Last evaluated: 2024-09-14. Review status: criteria provided, single submitter. Criteria: Invitae Variant Classification Sherloc (09022015). Collection method: clinical testing. Allele origin: germline.
Comment: This sequence change replaces threonine, which is neutral and polar, with isoleucine, which is neutral and non-polar, at codon 796 of the KDM6A protein (p.Thr796Ile). This variant is present in population databases (no rsID available, gnomAD 0.008%). This variant has not been reported in the literature in individuals affected with KDM6A-related conditions. ClinVar contains an entry for this variant (Variation ID: 2433069). Invitae Evidence Modeling of protein sequence and biophysical properties (such as structural, functional, and spatial information, amino acid conservation, physicochemical variation, residue mobility, and thermodynamic stability) indicates that this missense variant is not expected to disrupt KDM6A protein function with a negative predictive value of 80%. In summary, the available evidence is currently insufficient to determine the role of this variant in disease. Therefore, it has been classified as a Variant of Uncertain Significance.

Revvity Omics, Revvity
Classification: Uncertain significance for Kabuki syndrome 2. Last evaluated: 2021-01-12. Review status: criteria provided, single submitter. Criteria: ACMG Guidelines, 2015. Collection method: clinical testing. Allele origin: germline.

NM_001291415.2(KDM6A):c.2543C>T (p.Thr848Ile)

Gene: KDM6A (lysine demethylase 6A; plus strand). Cytogenetic location: Xp11.3.
Variant type: single nucleotide variant.
Coding change: c.2543C>T on transcript NM_001291415.2 (MANE Select); coding-DNA position 2543, C replaced by T.
Protein change: p.Thr848Ile; replaces threonine 848 with isoleucine.
Molecular consequence: missense variant. On other transcripts: non-coding transcript variant (1).
Genome position (GRCh38, 1-based): chrX:45,070,042, C>T. VCF-style: chrX-45070042-C-T. GRCh37 (hg19) VCF-style: chrX-44929287-C-T.
Other names: c.2408C>T, p.Thr803Ile (NM_001291416.2); c.2252C>T, p.Thr751Ile (NM_001291417.2); c.2150C>T, p.Thr717Ile (NM_001291418.2); c.1499C>T, p.Thr500Ile (NM_001291421.2); c.2285C>T, p.Thr762Ile (NM_001410742.1); c.2387C>T, p.Thr796Ile (NM_021140.4); short protein forms T500I, T717I, T751I, T762I, T796I, T803I, T848I.
Identifiers: ClinVar variation 2433069 (VCV002433069.5), dbSNP rs1218269593, ClinGen allele CA412794825.